The following is an entry in ClinVar:

NM_001159699.2(FHL1):c.425G>C (p.Cys142Ser)

Gene: FHL1 (four and a half LIM domains 1; plus strand). Cytogenetic location: Xq26.3.
Variant type: single nucleotide variant.
Coding change: c.425G>C on transcript NM_001159699.2 (MANE Select); coding-DNA position 425, G replaced by C.
Protein change: p.Cys142Ser; replaces cysteine 142 with serine.
Molecular consequence: missense variant. On other transcripts: non-coding transcript variant (1).
Genome position (GRCh38, 1-based): chrX:136,207,837, G>C. VCF-style: chrX-136207837-G-C. GRCh37 (hg19) VCF-style: chrX-135289996-G-C.
Other names: c.377G>C, p.Cys126Ser (NM_001159700.2, NM_001159702.3, NM_001159703.2 and 9 more transcripts); c.464G>C, p.Cys155Ser (NM_001159701.2); c.425G>C, p.Cys142Ser (NM_001330659.2); short protein forms C142S, C155S, C126S.
Identifiers: ClinVar variation 2736335 (VCV002736335.3), dbSNP rs2521284214, ClinGen allele CA414608385.

ClinVar aggregate classification (germline): Uncertain significance (1 of 4 stars; one submission).

Conditions:
X-linked myopathy with postural muscle atrophy. Also called: FHL1-Related Emery-Dreifuss Muscular Dystrophy, X-Linked. Identifiers: Orphanet 178461, MedGen C2678055, MONDO:0010401, OMIM 300696.

Submission:

Labcorp Genetics (formerly Invitae), Labcorp
Classification: Uncertain significance for X-linked myopathy with postural muscle atrophy. Last evaluated: 2023-08-27. Review status: criteria provided, single submitter. Criteria: Invitae Variant Classification Sherloc (09022015). Collection method: clinical testing. Allele origin: germline.
Comment: An algorithm developed to predict the effect of missense changes on protein structure and function (PolyPhen-2) suggests that this variant is likely to be disruptive. This variant has not been reported in the literature in individuals affected with FHL1-related conditions. This variant is not present in population databases (gnomAD no frequency). This sequence change replaces cysteine, which is neutral and slightly polar, with serine, which is neutral and polar, at codon 126 of the FHL1 protein (p.Cys126Ser). In summary, the available evidence is currently insufficient to determine the role of this variant in disease. Therefore, it has been classified as a Variant of Uncertain Significance.